The following is an entry in ClinVar:

NM_006230.4(POLD2):c.547C>T (p.Pro183Ser)

Gene: POLD2 (DNA polymerase delta 2, accessory subunit; minus strand). Cytogenetic location: 7p13.
Variant type: single nucleotide variant.
Coding change: c.547C>T on transcript NM_006230.4 (MANE Select); coding-DNA position 547, C replaced by T.
Protein change: p.Pro183Ser; replaces proline 183 with serine.
Molecular consequence: missense variant.
Genome position (GRCh38, 1-based): chr7:44,117,167, G>A on the plus strand (C>T on the coding strand, the complement: POLD2 is on the minus strand). VCF-style: chr7-44117167-G-A. GRCh37 (hg19) VCF-style: chr7-44156766-G-A.
Other names: c.547C>T, p.Pro183Ser (NM_001127218.3, NM_001256879.2); short protein forms P183S.
Identifiers: ClinVar variation 4141039 (VCV004141039.2).
Genomic context (GRCh38, chr7:44,117,167, plus strand): 5'-TCCAGCTCCCGAGAACTGCTGCTCACCTATCTGTGTCAAGTGGGGGTGCGGGCTTCTGGG[G>A]AGCAAGGTCAGCAAAGCAATAGTCCTCCACCAGAAACTTCCCGTCGTCTCTCACGGAGCC-3'
Protein context (NP_006221.3, residues 173-193): VEDYCFADLA[Pro183Ser]QKPAPPLDTD

ClinVar aggregate classification (germline): Uncertain significance. Review status: criteria provided, multiple submitters, no conflicts (2 of 4 stars). 2 submissions from 2 submitters: Uncertain significance (2). Last evaluated 2025-08-25.

gnomAD v4.1: 16 of 1,614,068 alleles (0.00099%); highest among the groups gnomAD compares: East Asian, 0.0067%; 1 homozygote.

Submissions (2):

Ambry Genetics
Classification: Uncertain significance. Last evaluated: 2025-08-25. Review status: criteria provided, single submitter. Criteria: Ambry Variant Classification Scheme 2023. Collection method: clinical testing. Allele origin: germline.

Labcorp Genetics (formerly Invitae), Labcorp
Classification: Uncertain significance. Last evaluated: 2025-06-09. Review status: criteria provided, single submitter. Criteria: Invitae Variant Classification Sherloc (09022015). Collection method: clinical testing. Allele origin: germline.
Comment: This sequence change replaces proline, which is neutral and non-polar, with serine, which is neutral and polar, at codon 218 of the POLD2 protein (p.Pro218Ser). This variant is not present in population databases (gnomAD no frequency). This variant has not been reported in the literature in individuals affected with POLD2-related conditions. Experimental studies and prediction algorithms are not available or were not evaluated, and the functional significance of this variant is currently unknown. In summary, the available evidence is currently insufficient to determine the role of this variant in disease. Therefore, it has been classified as a Variant of Uncertain Significance.